The following is an entry in ClinVar:

ClinVar aggregate classification (germline): Likely benign (1 of 4 stars; one submission).

Allele frequency attached by ClinVar (database versions not stated): gnomAD exomes below 0.00001; TOPMed below 0.00001; gnomAD 0.00001.
gnomAD v4.1: 2 of 1,613,636 alleles (0.00012%); highest among the groups gnomAD compares: Non-Finnish European, 0.00017%; no homozygotes.

Submission:

CeGaT Center for Human Genetics Tuebingen
Classification: Likely benign. Last evaluated: 2023-01-01. Review status: criteria provided, single submitter. Criteria: CeGaT Center For Human Genetics Tuebingen Variant Classification Criteria Version 2. Collection method: clinical testing. Allele origin: germline. Affected: yes. Observed: 1 variant allele.
Comment: ATL1: BP4, BP7

NM_015915.5(ATL1):c.486A>G (p.Thr162=)

Gene: ATL1 (atlastin GTPase 1; plus strand). Cytogenetic location: 14q22.1.
Variant type: single nucleotide variant.
Coding change: c.486A>G on transcript NM_015915.5 (MANE Select); coding-DNA position 486, A replaced by G.
Protein change: p.Thr162=; no amino-acid change (threonine 162 retained).
Molecular consequence: synonymous variant.
Genome position (GRCh38, 1-based): chr14:50,591,603, A>G. VCF-style: chr14-50591603-A-G. GRCh37 (hg19) VCF-style: chr14-51058321-A-G.
Other names: c.486A>G, p.Thr162= (NM_001127713.1, NM_181598.4).
Identifiers: ClinVar variation 2644229 (VCV002644229.24), dbSNP rs1421875636, ClinGen allele CA486185905.